The following is an entry in ClinVar:

ClinVar aggregate classification (germline): Uncertain significance (1 of 4 stars; one submission).

gnomAD v4.1: 1 of 1,613,006 alleles (0.000062%); highest among the groups gnomAD compares: African/African-American, 0.0013%; no homozygotes.

Submission:

Labcorp Genetics (formerly Invitae), Labcorp
Classification: Uncertain significance. Last evaluated: 2025-08-04. Review status: criteria provided, single submitter. Criteria: Invitae Variant Classification Sherloc (09022015). Collection method: clinical testing. Allele origin: germline.
Comment: This sequence change replaces tryptophan, which is neutral and slightly polar, with arginine, which is basic and polar, at codon 272 of the CLCN6 protein (p.Trp272Arg). This variant is not present in population databases (gnomAD no frequency). This variant has not been reported in the literature in individuals affected with CLCN6-related conditions. An algorithm developed to predict the effect of missense changes on protein structure and function (PolyPhen-2) suggests that this variant is likely to be disruptive. In summary, the available evidence is currently insufficient to determine the role of this variant in disease. Therefore, it has been classified as a Variant of Uncertain Significance.

NM_001286.5(CLCN6):c.814T>C (p.Trp272Arg)

Gene: CLCN6 (Cl-/H+ antiporter 6; plus strand). Cytogenetic location: 1p36.22.
Variant type: single nucleotide variant.
Coding change: c.814T>C on transcript NM_001286.5 (MANE Select); coding-DNA position 814, T replaced by C.
Protein change: p.Trp272Arg; replaces tryptophan 272 with arginine.
Molecular consequence: missense variant. On other transcripts: non-coding transcript variant (1).
Genome position (GRCh38, 1-based): chr1:11,827,195, T>C. VCF-style: chr1-11827195-T-C. GRCh37 (hg19) VCF-style: chr1-11887252-T-C.
Other names: c.748T>C, p.Trp250Arg (NM_001256959.2); short protein forms W250R, W272R.
Identifiers: ClinVar variation 4771133 (VCV004771133.1).